The following is an entry in ClinVar:

NM_000260.4(MYO7A):c.338_348dup (p.Glu117fs)

Gene: MYO7A (myosin VIIA; plus strand). Cytogenetic location: 11q13.5.
Variant type: Duplication.
Coding change: c.338_348dup on transcript NM_000260.4 (MANE Select); coding-DNA positions 338 to 348, 11 bases duplicated (TCTACTCGCCA).
Protein change: p.Glu117fs; shifts the reading frame from glutamic acid 117.
Molecular consequence: frameshift variant.
Genome position (GRCh38, 1-based): chr11:77,155,959-77,155,969, TCTACTCGCCA duplicated; duplicating any 11 consecutive bases within chr11:77,155,956-77,155,969 gives the same sequence; the c. name uses the placement nearest the transcript's 3' end. VCF-style (leftmost placement, unchanged base first): chr11-77155955-T-TCCATCTACTCG. GRCh37 (hg19) VCF-style: chr11-76867001-T-TCCATCTACTCG.
Other names: c.338_348dup, p.Glu117fs (NM_001127180.2); c.305_315dup, p.Glu106fs (NM_001369365.1); c.348_349insTCTACTCGCCA (NM_000260.3); c.338_348dup (NM_000260.3); short protein forms E117fs, E106fs.
Identifiers: ClinVar variation 418366 (VCV000418366.7), dbSNP rs1064793208, ClinGen allele CA16619409.

ClinVar aggregate classification (germline): Pathogenic/Likely pathogenic. Review status: criteria provided, multiple submitters, no conflicts (2 of 4 stars). 3 submissions from 3 submitters: Pathogenic (2); Likely pathogenic (1). Last evaluated 2024-11-20.

Conditions:
Usher syndrome type 1 (USH1). Also called: RETINITIS PIGMENTOSA AND CONGENITAL DEAFNESS. Identifiers: Orphanet 231169, Orphanet 886, MedGen C1568247, MONDO:0010168, OMIM 276900.
Autosomal dominant nonsyndromic hearing loss 11. Identifiers: Orphanet 90635, MedGen C1832475, MONDO:0011032, OMIM 601317.
Autosomal recessive nonsyndromic hearing loss 2. Also called: NEUROSENSORY NONSYNDROMIC RECESSIVE DEAFNESS 2; DEAFNESS, AUTOSOMAL RECESSIVE 2. Identifiers: Orphanet 90636, MedGen C1838701, MONDO:0010807, OMIM 600060.

Submissions (3):

GeneDx
Classification: Pathogenic. Last evaluated: 2024-11-20. Review status: criteria provided, single submitter. Criteria: GeneDx Variant Classification Process June 2021. Collection method: clinical testing. Allele origin: germline. Affected: yes.
Comment: Frameshift variant predicted to result in protein truncation or nonsense mediated decay in a gene for which loss of function is a known mechanism of disease; Not observed at significant frequency in large population cohorts (gnomAD); This variant is associated with the following publications: (PMID: 31964843, 22135276, 38219857)

Fulgent Genetics
Classification: Likely pathogenic for Usher syndrome type 1; Autosomal recessive nonsyndromic hearing loss 2; Autosomal dominant nonsyndromic hearing loss 11. Last evaluated: 2024-04-02. Review status: criteria provided, single submitter. Criteria: ACMG Guidelines, 2015. Collection method: clinical testing. Allele origin: germline.

Labcorp Genetics (formerly Invitae), Labcorp
Classification: Pathogenic. Last evaluated: 2022-04-10. Review status: criteria provided, single submitter. Criteria: Invitae Variant Classification Sherloc (09022015). Collection method: clinical testing. Allele origin: germline.
Comment: This sequence change creates a premature translational stop signal (p.Glu117Serfs*33) in the MYO7A gene. It is expected to result in an absent or disrupted protein product. Loss-of-function variants in MYO7A are known to be pathogenic (PMID: 8900236, 25404053). This variant is present in population databases (no rsID available, gnomAD 0.007%). This premature translational stop signal has been observed in individual(s) with Usher syndrome (PMID: 22135276). ClinVar contains an entry for this variant (Variation ID: 418366). For these reasons, this variant has been classified as Pathogenic.

Literature cited by the submitters: PubMed 8900236 (cited by Labcorp Genetics (formerly Invitae), Labcorp); PubMed 25404053 (cited by Labcorp Genetics (formerly Invitae), Labcorp); PubMed 22135276 (cited by Labcorp Genetics (formerly Invitae), Labcorp).